The following is an entry in ClinVar:

NM_001267550.2(TTN):c.74368_74372del (p.Lys24789_Leu24790insTer)

Genes: TTN (titin; minus strand), TTN-AS1 (TTN antisense RNA 1; plus strand). Cytogenetic location: 2q31.2.
Variant type: Deletion.
Coding change: c.74368_74372del on transcript NM_001267550.2 (MANE Select); coding-DNA positions 74368 to 74372, 5 bases deleted (CTGAC; older notation c.74368_74372delCTGAC).
Protein change: p.Lys24789_Leu24790insTer.
Molecular consequence: nonsense.
Genome position (GRCh38, 1-based): chr2:178,571,760-178,571,764, GTCAG deleted on the plus strand (CTGAC on the coding strand, the reverse complement: TTN is on the minus strand). VCF-style (leftmost placement, unchanged base first): chr2-178571759-AGTCAG-A. GRCh37 (hg19) VCF-style: chr2-179436486-AGTCAG-A.
Other names: c.47173_47177delCTGAC (NM_003319.4); c.69445_69449del, p.Lys23148_Leu23149insTer (NM_001256850.1); c.47173_47177del, p.Lys15724_Leu15725insTer (NM_003319.4); c.66664_66668del, p.Lys22221_Leu22222insTer (NM_133378.4); c.47548_47552del, p.Lys15849_Leu15850insTer (NM_133432.3); c.47749_47753del, p.Lys15916_Leu15917insTer (NM_133437.4).
Identifiers: ClinVar variation 1742615 (VCV001742615.4), dbSNP rs2468507533, ClinGen allele CA2580064742.
Genomic context (GRCh38, chr2:178,571,759, plus strand): 5'-AGGCCCTGGTTTGTCAAGAACGATAACATTAAGGGTTTCAATAGCTTCACCAGCTGAGTT[AGTCAG>A]TTTAACCACATAATGGCCAACATCTTCTCGGCAGGCGTCCTTTATTGTCAGTAGTGAATT-3'

ClinVar aggregate classification (germline): Likely pathogenic (1 of 4 stars; one submission).

Conditions:
Cardiovascular phenotype. Identifiers: MedGen CN230736.

Submission:

Ambry Genetics
Classification: Likely pathogenic for Cardiovascular phenotype. Last evaluated: 2025-11-10. Review status: criteria provided, single submitter. Criteria: Ambry Variant Classification Scheme 2023. Collection method: clinical testing. Allele origin: germline.
Comment: The c.47173_47177delCTGAC variant, located in coding exon 153 of the TTN gene, results from a deletion of 5 nucleotides at nucleotide positions 47173 to 47177, causing a translational frameshift with a predicted alternate stop codon (p.L15725*). This exon is located in the A-band region of the N2-B isoform of the titin protein and is constitutively expressed in TTN transcripts (percent spliced in or PSI 100%). This variant is considered to be rare based on population cohorts in the Genome Aggregation Database (gnomAD). This alteration is expected to result in loss of function by premature protein truncation or nonsense-mediated mRNA decay. While truncating variants in TTN are present in 1-3% of the general population, truncating variants in the A-band are the most common cause of dilated cardiomyopathy (DCM) (Herman DS et al. N. Engl. J. Med., 2012 Feb;366:619-28; Roberts AM et al. Sci Transl Med, 2015 Jan;7:270ra6). TTN truncating variants encoded in constitutive exons (PSI >90%) have been found to be significantly associated with DCM regardless of their position in titin (Schafer S et al. Nat. Genet., 2017 01;49:46-53). Based on the majority of available evidence to date, this variant is likely to be pathogenic.